The following is an entry in ClinVar:

NM_001079802.2(FKTN):c.442_443del (p.Asp148fs)

Gene: FKTN (fukutin; plus strand). Cytogenetic location: 9q31.2.
Variant type: Deletion.
Coding change: c.442_443del on transcript NM_001079802.2 (MANE Select); coding-DNA positions 442 to 443, 2 bases deleted (GA; older notation c.442_443delGA).
Protein change: p.Asp148fs; shifts the reading frame from aspartic acid 148.
Molecular consequence: frameshift variant. On other transcripts: non-coding transcript variant (2).
Genome position (GRCh38, 1-based): chr9:105,604,287-105,604,288, GA deleted; deleting any 2 consecutive bases within chr9:105,604,286-105,604,288 gives the same sequence; the c. name uses the placement nearest the transcript's 3' end. VCF-style (leftmost placement, unchanged base first): chr9-105604285-TAG-T. GRCh37 (hg19) VCF-style: chr9-108366566-TAG-T.
Other names: c.442_443del, p.Asp148fs (NM_001198963.2, NM_001351496.2, NM_001351498.2 and 1 more transcripts); c.373_374del, p.Asp125fs (NM_001351497.2); c.46_47del, p.Asp16fs (NM_001351499.2, NM_001351500.2, NM_001351501.2 and 1 more transcripts); short protein forms D125fs, D148fs, D16fs.
Identifiers: ClinVar variation 1725035 (VCV001725035.3), dbSNP rs2539405255, ClinGen allele CA2580079316.

ClinVar aggregate classification (germline): Likely pathogenic (1 of 4 stars; one submission).

Conditions:
Myopathy caused by variation in FKTN. Identifiers: MedGen CN305638, MONDO:0700067.

Submission:

Myriad Genetics, Inc.
Classification: Likely pathogenic for Myopathy caused by variation in FKTN. Last evaluated: 2022-03-05. Review status: criteria provided, single submitter. Criteria: Myriad Autosomal Dominant, Autosomal Recessive and X-Linked Classification Criteria (2023). Collection method: clinical testing. Allele origin: unknown.
Comment: NM_001079802.1(FKTN):c.442_443delGA(D148Rfs*9) is expected to be pathogenic in the context of FKTN-related disorders. This variant is predicted to lead to an abnormal or absent protein product due to the creation of a premature termination codon in FKTN, a gene where loss-of-function variants are known to be pathogenic. Please note: this variant was assessed in the context of healthy population screening.